The following is an entry in ClinVar:

NM_000138.5(FBN1):c.8361G>C (p.Leu2787=)

Gene: FBN1 (fibrillin 1; minus strand). Cytogenetic location: 15q21.1.
Variant type: single nucleotide variant.
Coding change: c.8361G>C on transcript NM_000138.5 (MANE Select); coding-DNA position 8361, G replaced by C.
Protein change: p.Leu2787=; no amino-acid change (leucine 2787 retained).
Molecular consequence: synonymous variant.
Genome position (GRCh38, 1-based): chr15:48,411,245, C>G on the plus strand (G>C on the coding strand, the complement: FBN1 is on the minus strand). VCF-style: chr15-48411245-C-G. GRCh37 (hg19) VCF-style: chr15-48703442-C-G.
Identifiers: ClinVar variation 926513 (VCV000926513.3), dbSNP rs2042860148, ClinGen allele CA490118960.

ClinVar aggregate classification (germline): Likely benign. Review status: criteria provided, multiple submitters, no conflicts (2 of 4 stars). 2 submissions from 2 submitters: Likely benign (2). Last evaluated 2023-08-08.

Conditions:
Marfan syndrome (MFS). Also called: Marfan syndrome, classic; Marfan syndrome type 1; Marfan's syndrome; FBN1-Related Marfan Syndrome; MARFAN SYNDROME, TYPE I. Identifiers: Orphanet 284963, Orphanet 558, MedGen C0024796, MONDO:0007947, OMIM 154700.
Familial thoracic aortic aneurysm and aortic dissection (TAAD). Also called: Thoracic aortic aneurysms and dissections. Identifiers: Orphanet 91387, MedGen C4707243, MONDO:0019625.

Allele frequency attached by ClinVar (database versions not stated): gnomAD 0.00001.
gnomAD v4.1: 1 of 1,614,096 alleles (0.000062%); highest among the groups gnomAD compares: Non-Finnish European, 0.000085%; no homozygotes.

Submissions (2):

All of Us Research Program, National Institutes of Health
Classification: Likely benign for Marfan syndrome. Last evaluated: 2023-08-08. Review status: criteria provided, single submitter. Criteria: ACMG Guidelines, 2015. Collection method: clinical testing. Allele origin: germline. Inheritance: Autosomal dominant inheritance. Observed: 1 variant allele, 1 heterozygote.
Comment: This study involves interpretation of variants in research participants for the purpose of population health screening. Participant phenotype was not available at the time of variant classification. Additional details can be found in publication PMID: 35346344, PMCID: PMC8962531

Color Diagnostics, LLC DBA Color Health
Classification: Likely benign for Familial thoracic aortic aneurysm and aortic dissection. Last evaluated: 2020-03-23. Review status: criteria provided, single submitter. Criteria: ACMG Guidelines, 2015. Collection method: clinical testing. Allele origin: germline.